The following is an entry in ClinVar:

ClinVar aggregate classification (germline): Pathogenic (1 of 4 stars; one submission).

Conditions:
ALG9-associated autosomal dominant polycystic kidney disease. Identifiers: MedGen CN305626, MONDO:0700000.

Submission:

Victorian Clinical Genetics Services, Murdoch Childrens Research Institute
Classification: Pathogenic for ALG9-associated autosomal dominant polycystic kidney disease. Last evaluated: 2026-04-26. Review status: criteria provided, single submitter. Criteria: ACMG Guidelines, 2015. Collection method: clinical testing. Allele origin: germline. Affected: yes.
Comment: This variant is classified as Pathogenic. Evidence in support of pathogenic classification: Variant is predicted to cause nonsense-mediated decay (NMD) and loss of protein (premature termination codon is located at least 54 nucleotides upstream of the final exon-exon junction); Variant is present in gnomAD <0.01 for a condition (v4: 9 heterozygote(s), 0 homozygote(s)); This variant has limited previous evidence of pathogenicity in a large family. This variant has been reported in six distantly related members from a large family affected with cystic kidneys. Three members from this family with the most prominent PKD did not have the familial variant (PMID: 39899384); Other NMD predicted variant(s) comparable to the one identified in this case have very strong previous evidence for pathogenicity (ClinVar). Additional information: This variant is heterozygous; This gene is associated with both recessive and dominant disease. Biallelic missense variants are associated with congenital disorder of glycosylation, type Il (MIM#608776), whilst biallelic null variants are associated with Gillessen-Kaesbach-Nishimura syndrome (MIM#263210). Heterozygous variants are associated with a form of polycystic kidney disease with incomplete penetrance (PMID: 31395617); Loss of function is a known mechanism of disease in this gene and is associated with congenital disorder of glycosylation, type II (MIM#608776), Gillessen-Kaesbach-Nishimura syndrome (MIM#263210) and ALG9-associated autosomal dominant polycystic kidney disease (MONDO:0700000); The condition associated with this gene has incomplete penetrance for ADPKD (PMID: 31395617); Inheritance information for this variant is not currently available in this individual.

Literature cited by the submitters: PubMed 31395617; PubMed 39899384.

NM_024740.2(ALG9):c.1219C>T (p.Arg407Ter)

Gene: ALG9 (ALG9 alpha-1,2-mannosyltransferase; minus strand). Cytogenetic location: 11q23.1.
Variant type: single nucleotide variant.
Coding change: c.1219C>T on transcript NM_024740.2 (MANE Select); coding-DNA position 1219, C replaced by T.
Protein change: p.Arg407Ter; replaces arginine 407 with a stop codon.
Molecular consequence: nonsense. On other transcripts: non-coding transcript variant (1).
Genome position (GRCh38, 1-based): chr11:111,838,354, G>A on the plus strand (C>T on the coding strand, the complement: ALG9 is on the minus strand). VCF-style: chr11-111838354-G-A. GRCh37 (hg19) VCF-style: chr11-111709077-G-A.
Other names: c.685C>T, p.Arg229Ter (NM_001352416.1, NM_001352420.2, NM_001352421.2 and 6 more transcripts); c.1198C>T, p.Arg400Ter (NM_001352417.1, NM_001441205.1, NM_001077690.1); c.1075C>T, p.Arg359Ter (NM_001352418.1); c.706C>T, p.Arg236Ter (NM_001352419.1, NM_001077691.2, NM_001352413.1 and 1 more transcripts); c.610C>T, p.Arg204Ter (NM_001352422.2); c.562C>T, p.Arg188Ter (NM_001352423.2); c.1219C>T, p.Arg407Ter (NM_001441203.1, NM_001441204.1); c.1096C>T, p.Arg366Ter (NM_001441206.1); short protein forms R188*, R204*, R229*, R236*, R359*, R366*, R400*, R407*.
Identifiers: ClinVar variation 4879829 (VCV004879829.1).